The following is an entry in ClinVar:

NM_031443.4(CCM2):c.447del (p.Ala150fs)

Gene: CCM2 (CCM2 scaffold protein; plus strand). Cytogenetic location: 7p13.
Variant type: Deletion.
Coding change: c.447del on transcript NM_031443.4 (MANE Select); coding-DNA position 447, one base deleted (T; older notation c.447delT).
Protein change: p.Ala150fs; shifts the reading frame from alanine 150.
Molecular consequence: frameshift variant. On other transcripts: non-coding transcript variant (1).
Genome position (GRCh38, 1-based): chr7:45,064,621, T deleted. VCF-style (leftmost placement, unchanged base first): chr7-45064620-CT-C. GRCh37 (hg19) VCF-style: chr7-45104219-CT-C.
Other names: c.510del, p.Ala171fs (NM_001029835.2); c.273del, p.Ala92fs (NM_001167934.2, NM_001363459.2); c.447del, p.Ala150fs (NM_001167935.2, NM_001363458.2); short protein forms A150fs, A171fs, A92fs.
Identifiers: ClinVar variation 2636973 (VCV002636973.1), dbSNP rs2486113704, ClinGen allele CA2695198483.
Genomic context (GRCh38, chr7:45,064,620, plus strand): 5'-ATATCATCCTCAGGGTGCCCATCCATGACATCGCCGCCGTCTCCTATGTTCGGGATGACG[CT>C]GCACACCTGGTGGTCCTGAAGACAGGTACAGGAGGTCAGGGGTCAGGAGGGTCCTTGTCC-3'

ClinVar aggregate classification (germline): Likely pathogenic (1 of 4 stars; one submission).

Conditions:
CCM2-related disorder. Also called: CCM2-related condition.

Submission:

PreventionGenetics, part of Exact Sciences
Classification: Likely pathogenic for CCM2-related condition. Last evaluated: 2022-10-18. Review status: criteria provided, single submitter. Criteria: ACMG Guidelines, 2015. Collection method: clinical testing. Allele origin: germline.
Comment: The CCM2 c.447delT variant is predicted to result in a frameshift and premature protein termination (p.Ala150Hisfs*6). To our knowledge, this variant has not been reported in the literature or in a large population database, indicating this variant is rare. Frameshift variants in CCM2 are expected to be pathogenic. This variant is interpreted as likely pathogenic.